The following is an entry in ClinVar:

ClinVar aggregate classification (germline): Uncertain significance (1 of 4 stars; one submission).

Conditions:
Hereditary cancer-predisposing syndrome. Also called: Neoplastic Syndromes, Hereditary; Tumor predisposition; Hereditary neoplastic syndrome; Hereditary Cancer Syndrome. Identifiers: Orphanet 140162, MedGen C0027672, MeSH D009386, MONDO:0015356.

gnomAD v4.1: 2 of 1,614,082 alleles (0.00012%); highest among the groups gnomAD compares: South Asian, 0.0022%; no homozygotes.

Submission:

Ambry Genetics
Classification: Uncertain significance for Hereditary cancer-predisposing syndrome. Last evaluated: 2026-08-05. Review status: criteria provided, single submitter. Criteria: Ambry Variant Classification Scheme 2023. Collection method: clinical testing. Allele origin: germline.
Comment: The p.P1408Q variant (also known as c.4223C>A), located in coding exon 21 of the BLM gene, results from a C to A substitution at nucleotide position 4223. The proline at codon 1408 is replaced by glutamine, an amino acid with similar properties. This amino acid position is conserved. In addition, this alteration is predicted to be tolerated by in silico analysis. Based on the available evidence, the clinical significance of this variant remains unclear.

NM_000057.4(BLM):c.4223C>A (p.Pro1408Gln)

Gene: BLM (BLM RecQ like helicase; plus strand). Cytogenetic location: 15q26.1.
Variant type: single nucleotide variant.
Coding change: c.4223C>A on transcript NM_000057.4 (MANE Select); coding-DNA position 4223, C replaced by A.
Protein change: p.Pro1408Gln; replaces proline 1408 with glutamine.
Molecular consequence: missense variant.
Genome position (GRCh38, 1-based): chr15:90,815,248, C>A. VCF-style: chr15-90815248-C-A. GRCh37 (hg19) VCF-style: chr15-91358478-C-A.
Other names: c.4223C>A, p.Pro1408Gln (NM_001287246.2); c.3830C>A, p.Pro1277Gln (NM_001287247.2); c.3098C>A, p.Pro1033Gln (NM_001287248.2); short protein forms P1408Q, P1277Q, P1033Q.
Identifiers: ClinVar variation 5032920 (VCV005032920.1).